The following is an entry in ClinVar:

NM_030773.4(TUBB1):c.1241_1243del (p.Asn414del)

Gene: TUBB1 (tubulin beta 1 class VI; plus strand). Cytogenetic location: 20q13.32.
Variant type: Deletion.
Coding change: c.1241_1243del on transcript NM_030773.4 (MANE Select); coding-DNA positions 1241 to 1243, 3 bases deleted (ACA; older notation c.1241_1243delACA).
Protein change: p.Asn414del; deletes asparagine 414.
Molecular consequence: inframe deletion.
Genome position (GRCh38, 1-based): chr20:59,024,668-59,024,670, ACA deleted; deleting any 3 consecutive bases within chr20:59,024,667-59,024,670 gives the same sequence; the c. name uses the placement nearest the transcript's 3' end. VCF-style (leftmost placement, unchanged base first): chr20-59024666-TAAC-T. GRCh37 (hg19) VCF-style: chr20-57599721-TAAC-T.
Other names: c.1240_1242delAAC (NM_030773.4); c.1240_1242del (NM_030773.3); short protein forms N414del.
Identifiers: ClinVar variation 1703809 (VCV001703809.2), dbSNP rs2515918155, ClinGen allele CA2580098332.

ClinVar aggregate classification (germline): Uncertain significance (1 of 4 stars; one submission).

Conditions:
Macrothrombocytopenia, isolated, 1, autosomal dominant (MACTHC1). Also called: Autosomal dominant macrothrombocytopenia TUBB1-related. Identifiers: Orphanet 140957, MedGen C5676892, MONDO:0800047, OMIM 613112.

Submission:

ISTH-SSC Genomics in Thrombosis and Hemostasis, KU Leuven, Center for Molecular and Vascular Biology
Classification: Uncertain significance for Macrothrombocytopenia, isolated, 1, autosomal dominant. Review status: criteria provided, single submitter. Criteria: ACMG Guidelines, 2015. Collection method: clinical testing. Allele origin: germline. Affected: yes. Observed: 1 heterozygote.
Comment: Submitted to the GoldVariant database by Dr Marie-Christine Morel-Kopp; Northern Blood Research Centre, Sydney, Australia